The following is an entry in ClinVar:

NM_000540.3(RYR1):c.1148T>G (p.Met383Arg)

Gene: RYR1 (ryanodine receptor 1; plus strand). Cytogenetic location: 19q13.2.
Variant type: single nucleotide variant.
Coding change: c.1148T>G on transcript NM_000540.3 (MANE Select); coding-DNA position 1148, T replaced by G.
Protein change: p.Met383Arg; replaces methionine 383 with arginine.
Molecular consequence: missense variant.
Genome position (GRCh38, 1-based): chr19:38,451,789, T>G. VCF-style: chr19-38451789-T-G. GRCh37 (hg19) VCF-style: chr19-38942429-T-G.
Other names: c.1148T>G, p.Met383Arg (NM_001042723.2); short protein forms M383R.
Identifiers: ClinVar variation 4758048 (VCV004758048.1).

ClinVar aggregate classification (germline): Uncertain significance (1 of 4 stars; one submission).

Conditions:
Malignant hyperthermia, susceptibility to, 1 (MHS1). Also called: RYR1-Related Malignant Hyperthermia Susceptibility; Malignant hyperthermia suceptibility 1; Anesthesia related hyperthermia; Malignant hyperpyrexia; Fulminating hyperpyrexia; Pharmacogenic myopathy. Identifiers: Orphanet 423, MedGen C2930980, MONDO:0007783, OMIM 145600.

Submission:

Color Diagnostics, LLC DBA Color Health
Classification: Uncertain significance for Malignant hyperthermia, susceptibility to, 1. Last evaluated: 2025-09-05. Review status: criteria provided, single submitter. Criteria: ACMG Guidelines, 2015. Collection method: clinical testing. Allele origin: germline.
Comment: This missense variant replaces methionine with arginine at codon 383 of the RYR1 protein. Computational prediction suggests that this variant may have deleterious impact on protein structure and function. To our knowledge, functional studies have not been reported for this variant. This variant has not been reported in individuals affected with RYR1-related disorders in the literature. This variant has not been identified in the general population by the Genome Aggregation Database (gnomAD). The available evidence is insufficient to determine the role of this variant in disease conclusively. Therefore, this variant is classified as a Variant of Uncertain Significance.